The following is an entry in ClinVar:

ClinVar aggregate classification (germline): Benign/Likely benign. Review status: criteria provided, multiple submitters, no conflicts (2 of 4 stars). 3 submissions from 3 submitters: Benign (1); Likely benign (2). Last evaluated 2025-10-21.

Conditions:
Hereditary cancer-predisposing syndrome. Also called: Neoplastic Syndromes, Hereditary; Tumor predisposition; Hereditary Cancer Syndrome; Hereditary neoplastic syndrome. Identifiers: Orphanet 140162, MedGen C0027672, MeSH D009386, MONDO:0015356.
Juvenile polyposis syndrome (JPS). Identifiers: Orphanet 2929, MedGen C0345893, MONDO:0017380, OMIM 174900.

gnomAD v4.1: 1 of 1,612,024 alleles (0.000062%); no homozygotes.

Submissions (3):

Labcorp Genetics (formerly Invitae), Labcorp
Classification: Likely benign for Juvenile polyposis syndrome. Last evaluated: 2025-10-21. Review status: criteria provided, single submitter. Criteria: Invitae Variant Classification Sherloc (09022015). Collection method: clinical testing. Allele origin: germline.

Myriad Genetics, Inc.
Classification: Benign for Juvenile polyposis syndrome. Last evaluated: 2024-07-30. Review status: criteria provided, single submitter. Criteria: Myriad Autosomal Dominant, Autosomal Recessive and X-Linked Classification Criteria (2023). Collection method: clinical testing. Allele origin: unknown.
Comment: This variant is considered benign. This variant is a silent/synonymous amino acid change and it is not expected to impact splicing.

Ambry Genetics
Classification: Likely benign for Hereditary cancer-predisposing syndrome. Last evaluated: 2021-06-20. Review status: criteria provided, single submitter. Criteria: Ambry Variant Classification Scheme 2023. Collection method: clinical testing. Allele origin: germline.

NM_004329.3(BMPR1A):c.39C>G (p.Ala13=)

Gene: BMPR1A (bone morphogenetic protein receptor type 1A; plus strand). Cytogenetic location: 10q23.2.
Variant type: single nucleotide variant.
Coding change: c.39C>G on transcript NM_004329.3 (MANE Select); coding-DNA position 39, C replaced by G.
Protein change: p.Ala13=; no amino-acid change (alanine 13 retained).
Molecular consequence: synonymous variant. On other transcripts: 5 prime UTR variant (1), non-coding transcript variant (3), intron variant (4).
Genome position (GRCh38, 1-based): chr10:86,876,057, C>G. VCF-style: chr10-86876057-C-G. GRCh37 (hg19) VCF-style: chr10-88635814-C-G.
Other names: c.39C>G, p.Ala13= (NM_001406559.1, NM_001406560.1, NM_001406561.1 and 23 more transcripts); c.-41C>G (NM_001406588.1); c.-17-14005C>G (NM_001406584.1, NM_001406587.1, NM_001406585.1); c.-12-14010C>G (NM_001406586.1).
Identifiers: ClinVar variation 1736855 (VCV001736855.8), dbSNP rs1554886813, ClinGen allele CA470365397.